The following is an entry in ClinVar:

NM_020320.5(RARS2):c.344A>G (p.Lys115Arg)

Gene: RARS2 (arginyl-tRNA synthetase 2, mitochondrial; minus strand). Cytogenetic location: 6q15.
Variant type: single nucleotide variant.
Coding change: c.344A>G on transcript NM_020320.5 (MANE Select); coding-DNA position 344, A replaced by G.
Protein change: p.Lys115Arg; replaces lysine 115 with arginine.
Molecular consequence: missense variant. On other transcripts: 5 prime UTR variant (7), non-coding transcript variant (23).
Genome position (GRCh38, 1-based): chr6:87,555,459, T>C on the plus strand (A>G on the coding strand, the complement: RARS2 is on the minus strand). VCF-style: chr6-87555459-T-C. GRCh37 (hg19) VCF-style: chr6-88265177-T-C.
Other names: c.-126A>G (NM_001318785.2, NM_001350509.2); c.344A>G, p.Lys115Arg (NM_001350505.2); c.-182A>G (NM_001350506.2, NM_001350507.2, NM_001350510.2 and 1 more transcripts); c.-344A>G (NM_001350508.2); short protein forms K115R.
Identifiers: ClinVar variation 4884927 (VCV004884927.2).

ClinVar aggregate classification (germline): Uncertain significance (1 of 4 stars; one submission).

gnomAD v4.1: 8 of 1,613,928 alleles (0.0005%); highest among the groups gnomAD compares: African/African-American, 0.0067%; no homozygotes.

Submission:

Dasa
Classification: Uncertain significance. Last evaluated: 2025-10-17. Review status: criteria provided, single submitter. Criteria: DASA Assertion Criteria. Collection method: clinical testing. Allele origin: germline.
Comment: NM_020320.5(RARS2):c.344A>G (p.Lys115Arg) is a missense variant that results in the substitution of lysine with arginine. This variant is rare in population databases. Computational prediction algorithms are consistent with a benign effect. The currently available literature and clinical evidence are not sufficient to establish a definitive association between this variant and the reported condition. Therefore, this variant is classified as a variant of uncertain significance.